The following is an entry in ClinVar:

ClinVar aggregate classification (germline): Likely benign. Review status: criteria provided, multiple submitters, no conflicts (2 of 4 stars). 2 submissions from 2 submitters: Likely benign (2). Last evaluated 2024-11-01.

gnomAD v4.1: 29 of 1,613,914 alleles (0.0018%); highest among the groups gnomAD compares: Admixed American, 0.0033%; no homozygotes.

Submissions (2):

CeGaT Center for Human Genetics Tuebingen
Classification: Likely benign. Last evaluated: 2024-11-01. Review status: criteria provided, single submitter. Criteria: CeGaT Center For Human Genetics Tuebingen Variant Classification Criteria Version 2. Collection method: clinical testing. Allele origin: germline. Affected: yes. Observed: 1 variant allele.
Comment: ARHGEF10: BP4, BP7

Labcorp Genetics (formerly Invitae), Labcorp
Classification: Likely benign. Last evaluated: 2022-09-01. Review status: criteria provided, single submitter. Criteria: Invitae Variant Classification Sherloc (09022015). Collection method: clinical testing. Allele origin: germline.

NM_014629.4(ARHGEF10):c.93C>T (p.Phe31=)

Gene: ARHGEF10 (Rho guanine nucleotide exchange factor 10; plus strand). Cytogenetic location: 8p23.3.
Variant type: single nucleotide variant.
Coding change: c.93C>T on transcript NM_014629.4 (MANE Select); coding-DNA position 93, C replaced by T.
Protein change: p.Phe31=; no amino-acid change (phenylalanine 31 retained).
Molecular consequence: synonymous variant.
Genome position (GRCh38, 1-based): chr8:1,858,015, C>T. VCF-style: chr8-1858015-C-T. GRCh37 (hg19) VCF-style: chr8-1806181-C-T.
Other names: c.93C>T, p.Phe31= (NM_001308152.2, NM_001308153.3).
Identifiers: ClinVar variation 1636647 (VCV001636647.22), dbSNP rs567607534, ClinGen allele CA4599583.